The following is an entry in ClinVar:

NM_000179.3(MSH6):c.2842G>C (p.Glu948Gln)

Gene: MSH6 (mutS homolog 6; plus strand). Cytogenetic location: 2p16.3.
Variant type: single nucleotide variant.
Coding change: c.2842G>C on transcript NM_000179.3 (MANE Select); coding-DNA position 2842, G replaced by C.
Protein change: p.Glu948Gln; replaces glutamic acid 948 with glutamine.
Molecular consequence: missense variant. On other transcripts: intron variant (2), non-coding transcript variant (5).
Genome position (GRCh38, 1-based): chr2:47,800,825, G>C. VCF-style: chr2-47800825-G-C. GRCh37 (hg19) VCF-style: chr2-48027964-G-C.
Other names: c.2452G>C, p.Glu818Gln (NM_001281492.2); c.1936G>C, p.Glu646Gln (NM_001281493.2, NM_001281494.2, NM_001406816.1 and 6 more transcripts); c.2938G>C, p.Glu980Gln (NM_001406795.1, NM_001406802.1); c.2842G>C, p.Glu948Gln (NM_001406796.1, NM_001406798.1, NM_001406800.1 and 2 more transcripts); c.2545G>C, p.Glu849Gln (NM_001406797.1, NM_001406801.1, NM_001406818.1 and 10 more transcripts); c.2317G>C, p.Glu773Gln (NM_001406799.1, NM_001406806.1, NM_001406807.1); c.2764G>C, p.Glu922Gln (NM_001406804.1); c.2308+534G>C (NM_001406803.1); and 4 more; short protein forms E263Q, E646Q, E773Q, E818Q, E849Q, E892Q, E922Q, E948Q.
Identifiers: ClinVar variation 3387066 (VCV003387066.3).

ClinVar aggregate classification (germline): Uncertain significance. Review status: criteria provided, multiple submitters, no conflicts (2 of 4 stars). 2 submissions from 2 submitters: Uncertain significance (2). Last evaluated 2024-12-08.

Conditions:
Hereditary nonpolyposis colorectal neoplasms. Identifiers: MedGen C0009405, MeSH D003123.
Lynch syndrome. Identifiers: Orphanet 144, MedGen C4552100, MONDO:0005835. Disease mechanism: loss of function.

gnomAD v4.1: 1 of 1,614,100 alleles (0.000062%); highest among the groups gnomAD compares: Non-Finnish European, 0.000085%; no homozygotes.

Submissions (2):

Labcorp Genetics (formerly Invitae), Labcorp
Classification: Uncertain significance for Hereditary nonpolyposis colorectal neoplasms. Last evaluated: 2024-12-08. Review status: criteria provided, single submitter. Criteria: Invitae Variant Classification Sherloc (09022015). Collection method: clinical testing. Allele origin: germline.
Comment: This sequence change replaces glutamic acid, which is acidic and polar, with glutamine, which is neutral and polar, at codon 948 of the MSH6 protein (p.Glu948Gln). This variant is not present in population databases (gnomAD no frequency). This variant has not been reported in the literature in individuals affected with MSH6-related conditions. Invitae Evidence Modeling of protein sequence and biophysical properties (such as structural, functional, and spatial information, amino acid conservation, physicochemical variation, residue mobility, and thermodynamic stability) indicates that this missense variant is not expected to disrupt MSH6 protein function with a negative predictive value of 95%. In summary, the available evidence is currently insufficient to determine the role of this variant in disease. Therefore, it has been classified as a Variant of Uncertain Significance.

All of Us Research Program, National Institutes of Health
Classification: Uncertain significance for Lynch syndrome. Last evaluated: 2024-02-22. Review status: criteria provided, single submitter. Criteria: ACMG Guidelines, 2015. Collection method: clinical testing. Allele origin: germline. Inheritance: Autosomal dominant inheritance. Observed: 1 variant allele, 1 heterozygote.
Comment: This missense variant replaces glutamic acid with glutamine at codon 948 of the MSH6 protein. Computational prediction is inconclusive regarding the impact of this variant on protein structure and function (internally defined REVEL score threshold 0.5 < inconclusive < 0.7, PMID: 27666373). To our knowledge, functional studies have not been reported for this variant. This variant has not been reported in individuals affected with MSH6-related disorders in the literature. This variant has not been identified in the general population by the Genome Aggregation Database (gnomAD). The available evidence is insufficient to determine the role of this variant in disease conclusively. Therefore, this variant is classified as a Variant of Uncertain Significance.

This study involves interpretation of variants in research participants for the purpose of population health screening. Participant phenotype was not available at the time of variant classification. Additional details can be found in publication PMID: 35346344, PMCID: PMC8962531